The following is an entry in ClinVar:

NM_001958.5(EEF1A2):c.1030-62C>G

Gene: EEF1A2 (eukaryotic translation elongation factor 1 alpha 2; minus strand). Cytogenetic location: 20q13.33.
Variant type: single nucleotide variant.
Coding change: c.1030-62C>G on transcript NM_001958.5 (MANE Select); 62 bases into the intron before coding-DNA position 1030, C replaced by G.
Molecular consequence: intron variant.
Genome position (GRCh38, 1-based): chr20:63,489,214, G>C on the plus strand (C>G on the coding strand, the complement: EEF1A2 is on the minus strand). VCF-style: chr20-63489214-G-C. GRCh37 (hg19) VCF-style: chr20-62120567-G-C.
Identifiers: ClinVar variation 677572 (VCV000677572.2), dbSNP rs145000334, ClinGen allele CA317436526.

ClinVar aggregate classification (germline): Likely benign. Review status: criteria provided, multiple submitters, no conflicts (2 of 4 stars). 2 submissions from 2 submitters: Likely benign (2). Last evaluated 2018-06-19.

Allele frequency attached by ClinVar (database versions not stated): 1000 Genomes Project 0.00359; 1000 Genomes Project 30x 0.00468; TOPMed 0.00501.
gnomAD v4.1: 1,378 of 1,538,708 alleles (0.09%); highest among the groups gnomAD compares: African/African-American, 1.2%; 8 homozygotes.

Submissions (2):

GeneDx
Classification: Likely benign. Last evaluated: 2018-06-19. Review status: criteria provided, single submitter. Criteria: GeneDx Variant Classification (06012015). Collection method: clinical testing. Allele origin: germline. Affected: yes.
Comment: This variant is considered likely benign or benign based on one or more of the following criteria: it is a conservative change, it occurs at a poorly conserved position in the protein, it is predicted to be benign by multiple in silico algorithms, and/or has population frequency not consistent with disease.

Breakthrough Genomics
Classification: Likely benign. Review status: criteria provided, single submitter. Criteria: ACMG Guidelines, 2015. Collection method: not provided. Allele origin: germline. Inheritance: Autosomal dominant inheritance. Affected: yes.